The following is an entry in ClinVar:

NM_001199753.2(CPT1C):c.2047A>C (p.Thr683Pro)

Gene: CPT1C (carnitine palmitoyltransferase 1C; plus strand). Cytogenetic location: 19q13.33.
Variant type: single nucleotide variant.
Coding change: c.2047A>C on transcript NM_001199753.2 (MANE Select); coding-DNA position 2047, A replaced by C.
Protein change: p.Thr683Pro; replaces threonine 683 with proline.
Molecular consequence: missense variant. On other transcripts: non-coding transcript variant (1).
Genome position (GRCh38, 1-based): chr19:49,712,763, A>C. VCF-style: chr19-49712763-A-C. GRCh37 (hg19) VCF-style: chr19-50216020-A-C.
Other names: c.2014A>C, p.Thr672Pro (NM_001136052.3, NM_001378485.1); c.2047A>C, p.Thr683Pro (NM_001199752.3, NM_001378483.1, NM_001378484.1 and 1 more transcripts); c.2113A>C, p.Thr705Pro (NM_001378482.1); c.1912A>C, p.Thr638Pro (NM_001378486.1, NM_001378488.1); c.1879A>C, p.Thr627Pro (NM_001378487.1); short protein forms T683P, T627P, T705P, T672P, T638P.
Identifiers: ClinVar variation 3656534 (VCV003656534.2).

ClinVar aggregate classification (germline): Uncertain significance (1 of 4 stars; one submission).

Conditions:
Hereditary spastic paraplegia 73. Also called: Spastic paraplegia 73, autosomal dominant. Identifiers: Orphanet 444099, MedGen C5568981, MONDO:0014568, OMIM 616282.

Submission:

Labcorp Genetics (formerly Invitae), Labcorp
Classification: Uncertain significance for Hereditary spastic paraplegia 73. Last evaluated: 2024-10-24. Review status: criteria provided, single submitter. Criteria: Invitae Variant Classification Sherloc (09022015). Collection method: clinical testing. Allele origin: germline.
Comment: This sequence change replaces threonine, which is neutral and polar, with proline, which is neutral and non-polar, at codon 672 of the CPT1C protein (p.Thr672Pro). This variant is not present in population databases (gnomAD no frequency). This variant has not been reported in the literature in individuals affected with CPT1C-related conditions. Invitae Evidence Modeling of protein sequence and biophysical properties (such as structural, functional, and spatial information, amino acid conservation, physicochemical variation, residue mobility, and thermodynamic stability) indicates that this missense variant is expected to disrupt CPT1C protein function with a positive predictive value of 80%. In summary, the available evidence is currently insufficient to determine the role of this variant in disease. Therefore, it has been classified as a Variant of Uncertain Significance.